The following is an entry in ClinVar:

NM_001378183.1(PIEZO2):c.1882+6T>C

Gene: PIEZO2 (piezo type mechanosensitive ion channel component 2; minus strand). Cytogenetic location: 18p11.22.
Variant type: single nucleotide variant.
Coding change: c.1882+6T>C on transcript NM_001378183.1 (MANE Select); 6 bases into the intron after coding-DNA position 1882, T replaced by C.
Molecular consequence: intron variant.
Genome position (GRCh38, 1-based): chr18:10,791,195, A>G on the plus strand (T>C on the coding strand, the complement: PIEZO2 is on the minus strand). VCF-style: chr18-10791195-A-G. GRCh37 (hg19) VCF-style: chr18-10791193-A-G.
Other names: c.1882+6T>C (NM_022068.4, NM_001410871.1).
Identifiers: ClinVar variation 2699000 (VCV002699000.3), dbSNP rs2039399911, ClinGen allele CA987790895.
Genomic context (GRCh38, chr18:10,791,195, plus strand): 5'-TGGGGCTCTTTCTCTGTAATTTTGCTGAGCACCAAACTCTCCAGCCACACATATACACTA[A>G]TTTACCTTTTTCTTCATTTTCCTGACTGCCAATTTTGACTTCCGATAAAAGAGCTTCCTT-3'

ClinVar aggregate classification (germline): Uncertain significance (1 of 4 stars; one submission).

Allele frequency attached by ClinVar (database versions not stated): gnomAD exomes below 0.00001; gnomAD 0.00001.
gnomAD v4.1: 2 of 1,533,268 alleles (0.00013%); highest among the groups gnomAD compares: African/African-American, 0.0014%; no homozygotes.

Submission:

Labcorp Genetics (formerly Invitae), Labcorp
Classification: Uncertain significance. Last evaluated: 2023-12-22. Review status: criteria provided, single submitter. Criteria: Invitae Variant Classification Sherloc (09022015). Collection method: clinical testing. Allele origin: germline.
Comment: This sequence change falls in intron 14 of the PIEZO2 gene. It does not directly change the encoded amino acid sequence of the PIEZO2 protein. It affects a nucleotide within the consensus splice site. This variant is not present in population databases (gnomAD no frequency). This variant has not been reported in the literature in individuals affected with PIEZO2-related conditions. Variants that disrupt the consensus splice site are a relatively common cause of aberrant splicing (PMID: 17576681, 9536098). Algorithms developed to predict the effect of sequence changes on RNA splicing suggest that this variant is not likely to affect RNA splicing. In summary, the available evidence is currently insufficient to determine the role of this variant in disease. Therefore, it has been classified as a Variant of Uncertain Significance.

Literature cited by the submitters: PubMed 17576681; PubMed 9536098.